The following is an entry in ClinVar:

NM_020949.3(SLC7A14):c.148G>A (p.Ala50Thr)

Genes: SLC7A14 (solute carrier family 7 member 14; minus strand), SLC7A14-AS1 (SLC7A14 antisense RNA 1; plus strand). Cytogenetic location: 3q26.2.
Variant type: single nucleotide variant.
Coding change: c.148G>A on transcript NM_020949.3 (MANE Select); coding-DNA position 148, G replaced by A.
Protein change: p.Ala50Thr; replaces alanine 50 with threonine.
Molecular consequence: missense variant.
Genome position (GRCh38, 1-based): chr3:170,526,789, C>T on the plus strand (G>A on the coding strand, the complement: SLC7A14 is on the minus strand). VCF-style: chr3-170526789-C-T. GRCh37 (hg19) VCF-style: chr3-170244578-C-T.
Other names: short protein forms A50T.
Identifiers: ClinVar variation 1523947 (VCV001523947.6), dbSNP rs1278136882, ClinGen allele CA355520130.

ClinVar aggregate classification (germline): Uncertain significance (1 of 4 stars; one submission).

Submission:

Labcorp Genetics (formerly Invitae), Labcorp
Classification: Uncertain significance. Last evaluated: 2021-08-27. Review status: criteria provided, single submitter. Criteria: Invitae Variant Classification Sherloc (09022015). Collection method: clinical testing. Allele origin: germline.
Comment: Algorithms developed to predict the effect of missense changes on protein structure and function (SIFT, PolyPhen-2, Align-GVGD) all suggest that this variant is likely to be tolerated. This variant has not been reported in the literature in individuals affected with SLC7A14-related conditions. This variant is not present in population databases (ExAC no frequency). This sequence change replaces alanine with threonine at codon 50 of the SLC7A14 protein (p.Ala50Thr). The alanine residue is moderately conserved and there is a small physicochemical difference between alanine and threonine. In summary, the available evidence is currently insufficient to determine the role of this variant in disease. Therefore, it has been classified as a Variant of Uncertain Significance.